The following is an entry in ClinVar:

NM_000393.5(COL5A2):c.1642G>A (p.Val548Ile)

Gene: COL5A2 (collagen type V alpha 2 chain; minus strand). Cytogenetic location: 2q32.2.
Variant type: single nucleotide variant.
Coding change: c.1642G>A on transcript NM_000393.5 (MANE Select); coding-DNA position 1642, G replaced by A.
Protein change: p.Val548Ile; replaces valine 548 with isoleucine.
Molecular consequence: missense variant.
Genome position (GRCh38, 1-based): chr2:189,064,631, C>T on the plus strand (G>A on the coding strand, the complement: COL5A2 is on the minus strand). VCF-style: chr2-189064631-C-T. GRCh37 (hg19) VCF-style: chr2-189929357-C-T.
Other names: short protein forms V548I.
Identifiers: ClinVar variation 2564190 (VCV002564190.2), dbSNP rs1023220299, ClinGen allele CA62554523.

ClinVar aggregate classification (germline): Uncertain significance (1 of 4 stars; one submission).

Conditions:
Familial thoracic aortic aneurysm and aortic dissection (TAAD). Also called: Thoracic aortic aneurysms and dissections. Identifiers: Orphanet 91387, MedGen C4707243, MONDO:0019625.

Allele frequency attached by ClinVar (database versions not stated): gnomAD exomes below 0.00001.
gnomAD v4.1: 1 of 1,613,902 alleles (0.000062%); highest among the groups gnomAD compares: Non-Finnish European, 0.000085%; no homozygotes.

Submission:

Ambry Genetics
Classification: Uncertain significance for Familial thoracic aortic aneurysm and aortic dissection. Last evaluated: 2023-03-24. Review status: criteria provided, single submitter. Criteria: Ambry Variant Classification Scheme 2023. Collection method: clinical testing. Allele origin: germline.
Comment: The p.V548I variant (also known as c.1642G>A), located in coding exon 25 of the COL5A2 gene, results from a G to A substitution at nucleotide position 1642. The valine at codon 548 is replaced by isoleucine, an amino acid with highly similar properties. This amino acid position is not well conserved in available vertebrate species. In addition, this alteration is predicted to be tolerated by in silico analysis. Since supporting evidence is limited at this time, the clinical significance of this alteration remains unclear.